The following is an entry in ClinVar:

ClinVar aggregate classification (germline): Likely pathogenic (1 of 4 stars; one submission).

Conditions:
Developmental and epileptic encephalopathy, 28 (DEE28). Also called: Epileptic encephalopathy, early infantile, 28. Identifiers: Orphanet 442835, MedGen C4015519, MONDO:0014533, OMIM 616211.

Submission:

Kids Research, The Children's Hospital at Westmead
Classification: Likely pathogenic for Developmental and epileptic encephalopathy, 28. Last evaluated: 2024-09-20. Review status: criteria provided, single submitter. Criteria: ACMG Guidelines, 2015. Collection method: research. Allele origin: germline. Affected: yes.
Comment: PP3_Strong, PM2, PM3_Supporting

NM_016373.4(WWOX):c.895T>C (p.Cys299Arg)

Gene: WWOX (WW domain containing oxidoreductase; plus strand). Cytogenetic location: 16q23.1.
Variant type: single nucleotide variant.
Coding change: c.895T>C on transcript NM_016373.4 (MANE Select); coding-DNA position 895, T replaced by C.
Protein change: p.Cys299Arg; replaces cysteine 299 with arginine.
Molecular consequence: missense variant.
Genome position (GRCh38, 1-based): chr16:78,432,591, T>C. VCF-style: chr16-78432591-T-C. GRCh37 (hg19) VCF-style: chr16-78466488-T-C.
Other names: c.556T>C, p.Cys186Arg (NM_001291997.2); short protein forms C186R, C299R.
Identifiers: ClinVar variation 3366921 (VCV003366921.1).
Genomic context (GRCh38, chr16:78,432,591, plus strand): 5'-CGCCTCTCTCCAACAAAAAACGACTATTGGGCGATGCTGGCTTATAACAGGTCCAAGCTC[T>C]GCAACATCCTCTTCTCCAACGAGCTGCACCGTCGCCTCTCCCCACGCGGGGTCACGTCGA-3'
Protein context (NP_057457.1, residues 289-309): AMLAYNRSKL[Cys299Arg]NILFSNELHR